The following is an entry in ClinVar:

ClinVar aggregate classification (germline): Uncertain significance. Review status: criteria provided, multiple submitters, no conflicts (2 of 4 stars). 3 submissions from 3 submitters: Uncertain significance (2). 1 of the submissions does not count toward it. Last evaluated 2024-12-30.

Conditions:
Methylcrotonyl-CoA carboxylase deficiency. Also called: 3 Methylcrotonylglycinuria; 3-MCC Deficiency; Deficiency of methylcrotonoyl-CoA carboxylase. Identifiers: Orphanet 6, MedGen C4551505, MONDO:0018950.
Inborn genetic diseases. Identifiers: MedGen C0950123, MeSH D030342.
3-methylcrotonyl-CoA carboxylase 1 deficiency (MCC1D). Also called: MCC 1 deficiency; 3 Alpha methylcrotonylglycinuria 1; MCCD TYPE 1; METHYLCROTONYLGLYCINURIA TYPE I. Identifiers: Orphanet 6, MedGen CN028786, MONDO:0008861, OMIM 210200.

Allele frequency attached by ClinVar (database versions not stated): gnomAD exomes below 0.00001 and 0.00002; gnomAD 0.00001; ExAC 0.00002; TOPMed 0.00002.
gnomAD v4.1: 6 of 1,613,712 alleles (0.00037%); highest among the groups gnomAD compares: Admixed American, 0.005%; no homozygotes.

Submissions (3):

Ambry Genetics
Classification: Uncertain significance for Inborn genetic diseases. Last evaluated: 2024-12-30. Review status: criteria provided, single submitter. Criteria: Ambry Variant Classification Scheme 2023. Collection method: clinical testing. Allele origin: germline.

Labcorp Genetics (formerly Invitae), Labcorp
Classification: Uncertain significance for 3-methylcrotonyl-CoA carboxylase 1 deficiency. Last evaluated: 2024-08-14. Review status: criteria provided, single submitter. Criteria: Invitae Variant Classification Sherloc (09022015). Collection method: clinical testing. Allele origin: germline.
Comment: This sequence change replaces isoleucine, which is neutral and non-polar, with valine, which is neutral and non-polar, at codon 125 of the MCCC1 protein (p.Ile125Val). This variant is present in population databases (rs780072787, gnomAD 0.01%). This variant has not been reported in the literature in individuals affected with MCCC1-related conditions. ClinVar contains an entry for this variant (Variation ID: 989681). Invitae Evidence Modeling of protein sequence and biophysical properties (such as structural, functional, and spatial information, amino acid conservation, physicochemical variation, residue mobility, and thermodynamic stability) indicates that this missense variant is not expected to disrupt MCCC1 protein function with a negative predictive value of 95%. In summary, the available evidence is currently insufficient to determine the role of this variant in disease. Therefore, it has been classified as a Variant of Uncertain Significance.

Natera, Inc.
Classification: Uncertain significance for 3-methylcrotonylglycinuria. Last evaluated: 2020-09-21. Review status: no assertion criteria provided. Collection method: clinical testing. Allele origin: germline. Not counted in ClinVar's aggregate classification.

NM_020166.5(MCCC1):c.373A>G (p.Ile125Val)

Gene: MCCC1 (methylcrotonyl-CoA carboxylase subunit 1; minus strand). Cytogenetic location: 3q27.1.
Variant type: single nucleotide variant.
Coding change: c.373A>G on transcript NM_020166.5 (MANE Select); coding-DNA position 373, A replaced by G.
Protein change: p.Ile125Val; replaces isoleucine 125 with valine.
Molecular consequence: missense variant. On other transcripts: non-coding transcript variant (2), intron variant (1).
Genome position (GRCh38, 1-based): chr3:183,072,484, T>C on the plus strand (A>G on the coding strand, the complement: MCCC1 is on the minus strand). VCF-style: chr3-183072484-T-C. GRCh37 (hg19) VCF-style: chr3-182790272-T-C.
Other names: c.46A>G, p.Ile16Val (NM_001363880.1); c.141-1127A>G (NM_001293273.2); c.373A>G (NM_020166.3); short protein forms I125V, I16V.
Identifiers: ClinVar variation 989681 (VCV000989681.6), dbSNP rs780072787, ClinGen allele CA2719082.
Genomic context (GRCh38, chr3:183,072,484, plus strand): 5'-CTTGCTTACAAAGTTCAGCAAATTCCATGTTTTCTGAGAGAAAACCGCATCCTGGATGGA[T>C]AGCCTAGAAATGAGAAATAAAATAAAAAATTTACTCATCAGTGCTCAACTGGCAACACCT-3'
Protein context (NP_064551.3, residues 115-135): QVAKTSAAQA[Ile125Val]HPGCGFLSEN